The following is an entry in ClinVar:

NM_052844.4(DYNC2I2):c.421G>A (p.Glu141Lys)

Gene: DYNC2I2 (dynein 2 intermediate chain 2; minus strand). Cytogenetic location: 9q34.11.
Variant type: single nucleotide variant.
Coding change: c.421G>A on transcript NM_052844.4 (MANE Select); coding-DNA position 421, G replaced by A.
Protein change: p.Glu141Lys; replaces glutamic acid 141 with lysine.
Molecular consequence: missense variant.
Genome position (GRCh38, 1-based): chr9:128,640,705, C>T on the plus strand (G>A on the coding strand, the complement: DYNC2I2 is on the minus strand). VCF-style: chr9-128640705-C-T. GRCh37 (hg19) VCF-style: chr9-131402984-C-T.
Other names: short protein forms E141K.
Identifiers: ClinVar variation 1934452 (VCV001934452.2), dbSNP rs1202893295, ClinGen allele CA375126046.

ClinVar aggregate classification (germline): Uncertain significance (1 of 4 stars; one submission).

Conditions:
Short-rib thoracic dysplasia 11 with or without polydactyly (SRTD11). Also called: SHORT-RIB THORACIC DYSPLASIA 11 WITHOUT POLYDACTYLY. Identifiers: Orphanet 474, Orphanet 93271, MedGen C3810200, MONDO:0014287, OMIM 615633.

Allele frequency attached by ClinVar (database versions not stated): gnomAD exomes below 0.00001; TOPMed 0.00001.
gnomAD v4.1: 4 of 1,613,948 alleles (0.00025%); highest among the groups gnomAD compares: Non-Finnish European, 0.00034%; no homozygotes.

Submission:

Labcorp Genetics (formerly Invitae), Labcorp
Classification: Uncertain significance for Short-rib thoracic dysplasia 11 with or without polydactyly. Last evaluated: 2022-10-13. Review status: criteria provided, single submitter. Criteria: Invitae Variant Classification Sherloc (09022015). Collection method: clinical testing. Allele origin: germline.
Comment: This sequence change replaces glutamic acid, which is acidic and polar, with lysine, which is basic and polar, at codon 141 of the WDR34 protein (p.Glu141Lys). This variant is present in population databases (no rsID available, gnomAD no frequency). This variant has not been reported in the literature in individuals affected with WDR34-related conditions. Algorithms developed to predict the effect of missense changes on protein structure and function are either unavailable or do not agree on the potential impact of this missense change (SIFT: "Deleterious"; PolyPhen-2: "Benign"; Align-GVGD: "Class C15"). In summary, the available evidence is currently insufficient to determine the role of this variant in disease. Therefore, it has been classified as a Variant of Uncertain Significance.